The following is an entry in ClinVar:

ClinVar aggregate classification (germline): Likely benign. Review status: criteria provided, multiple submitters, no conflicts (2 of 4 stars). 2 submissions from 2 submitters: Likely benign (2). Last evaluated 2025-04-01.

Allele frequency attached by ClinVar (database versions not stated): 1000 Genomes Project 30x 0.00031; 1000 Genomes Project 0.00040; ESP Exome Variant Server 0.00046; ExAC 0.00076.
gnomAD v4.1: 970 of 1,607,734 alleles (0.06%); highest among the groups gnomAD compares: Non-Finnish European, 0.075%; 1 homozygote.

Submissions (2):

CeGaT Center for Human Genetics Tuebingen
Classification: Likely benign. Last evaluated: 2025-04-01. Review status: criteria provided, single submitter. Criteria: CeGaT Center For Human Genetics Tuebingen Variant Classification Criteria Version 2. Collection method: clinical testing. Allele origin: germline. Affected: yes. Observed: 1 variant allele.
Comment: HELZ2: BP4

Ambry Genetics
Classification: Likely benign. Last evaluated: 2022-05-11. Review status: criteria provided, single submitter. Criteria: Ambry Variant Classification Scheme 2023. Collection method: clinical testing. Allele origin: germline.

NM_001037335.2(HELZ2):c.2129G>A (p.Arg710Gln)

Gene: HELZ2 (helicase with zinc finger 2; minus strand). Cytogenetic location: 20q13.33.
Variant type: single nucleotide variant.
Coding change: c.2129G>A on transcript NM_001037335.2 (MANE Select); coding-DNA position 2129, G replaced by A.
Protein change: p.Arg710Gln; replaces arginine 710 with glutamine.
Molecular consequence: missense variant.
Genome position (GRCh38, 1-based): chr20:63,567,229, C>T on the plus strand (G>A on the coding strand, the complement: HELZ2 is on the minus strand). VCF-style: chr20-63567229-C-T. GRCh37 (hg19) VCF-style: chr20-62198582-C-T.
Other names: c.422G>A, p.Arg141Gln (NM_033405.3); short protein forms R710Q, R141Q.
Identifiers: ClinVar variation 2341475 (VCV002341475.9), dbSNP rs114297966, ClinGen allele CA9962686.